The following is an entry in ClinVar:

ClinVar aggregate classification (germline): Uncertain significance. Review status: criteria provided, multiple submitters, no conflicts (2 of 4 stars). 2 submissions from 2 submitters: Uncertain significance (2). Last evaluated 2023-04-06.

Conditions:
Neuronal ceroid lipofuscinosis. Also called: Neuronal Ceroid Lipofuscinoses. Identifiers: Orphanet 216, Orphanet 79263, MedGen C0027877, MONDO:0016295. Disease mechanism: loss of function.

Allele frequency attached by ClinVar (database versions not stated): gnomAD exomes below 0.00001.
gnomAD v4.1: 4 of 1,612,546 alleles (0.00025%); highest among the groups gnomAD compares: Non-Finnish European, 0.00034%; no homozygotes.

Submissions (2):

GeneDx
Classification: Uncertain significance. Last evaluated: 2023-04-06. Review status: criteria provided, single submitter. Criteria: GeneDx Variant Classification Process June 2021. Collection method: clinical testing. Allele origin: germline. Affected: yes.
Comment: Not observed at significant frequency in large population cohorts (gnomAD); In silico analysis supports that this missense variant does not alter protein structure/function; Has not been previously published as pathogenic or benign to our knowledge

Labcorp Genetics (formerly Invitae), Labcorp
Classification: Uncertain significance for Neuronal ceroid lipofuscinosis. Last evaluated: 2021-09-02. Review status: criteria provided, single submitter. Criteria: Invitae Variant Classification Sherloc (09022015). Collection method: clinical testing. Allele origin: germline.
Comment: This sequence change replaces threonine with asparagine at codon 350 of the CLN5 protein (p.Thr350Asn). The threonine residue is moderately conserved and there is a small physicochemical difference between threonine and asparagine. This variant is not present in population databases (ExAC no frequency). This variant has not been reported in the literature in individuals affected with CLN5-related conditions. Algorithms developed to predict the effect of missense changes on protein structure and function are either unavailable or do not agree on the potential impact of this missense change (SIFT: "Tolerated"; PolyPhen-2: "Possibly Damaging"; Align-GVGD: "Class C0"). In summary, the available evidence is currently insufficient to determine the role of this variant in disease. Therefore, it has been classified as a Variant of Uncertain Significance.

NM_006493.4(CLN5):c.902C>A (p.Thr301Asn)

Gene: CLN5 (CLN5 lysosomal BMP synthase; plus strand). Cytogenetic location: 13q22.3.
Variant type: single nucleotide variant.
Coding change: c.902C>A on transcript NM_006493.4 (MANE Select); coding-DNA position 902, C replaced by A.
Protein change: p.Thr301Asn; replaces threonine 301 with asparagine.
Molecular consequence: missense variant. On other transcripts: 3 prime UTR variant (1).
Genome position (GRCh38, 1-based): chr13:77,000,794, C>A. VCF-style: chr13-77000794-C-A. GRCh37 (hg19) VCF-style: chr13-77574929-C-A.
Other names: c.*351C>A (NM_001366624.2); short protein forms T301N.
Identifiers: ClinVar variation 855205 (VCV000855205.7), dbSNP rs1298505272, ClinGen allele CA388314086.